The following is an entry in ClinVar:

NM_002382.5(MAX):c.233dup (p.Asn78fs)

Gene: MAX (MYC associated transcriptional regulator X; minus strand). Cytogenetic location: 14q23.3.
Variant type: Duplication.
Coding change: c.233dup on transcript NM_002382.5 (MANE Select); coding-DNA position 233, one base duplicated (A; older notation c.233dupA).
Protein change: p.Asn78fs; shifts the reading frame from asparagine 78.
Molecular consequence: frameshift variant. On other transcripts: 5 prime UTR variant (1), intron variant (2).
Genome position (GRCh38, 1-based): chr14:65,077,975, T duplicated on the plus strand (A on the coding strand, the reverse complement: MAX is on the minus strand); the first of 5 consecutive T bases (chr14:65,077,975-65,077,979); duplicating any one gives the same sequence. VCF-style (leftmost placement, unchanged base first): chr14-65077974-G-GT. GRCh37 (hg19) VCF-style: chr14-65544692-G-GT.
Other names: c.-42dup (NM_001320415.2); c.229dup, p.Asn78Lysfs (NM_001407094.1, NM_001407096.1, NM_001407097.1 and 2 more transcripts); c.202dup, p.Asn69Lysfs (NM_001407095.1, NM_001407099.1, NM_001407100.1 and 5 more transcripts); c.121dup, p.Asn42Lysfs (NM_001407098.1); c.-46dup (NM_001407105.1, NM_001407106.1, NM_001407107.1); c.-139dup (NM_001407111.1, NM_001407112.1); c.206dup, p.Asn69fs (NM_145112.3); c.233dup, p.Asn78fs (NM_145113.3); and 3 more; short protein forms N78fs, N69fs.
Identifiers: ClinVar variation 141678 (VCV000141678.9), dbSNP rs587781931, ClinGen allele CA166109.

ClinVar aggregate classification (germline): Pathogenic/Likely pathogenic. Review status: criteria provided, multiple submitters, no conflicts (2 of 4 stars). 3 submissions from 3 submitters: Pathogenic (2); Likely pathogenic (1). Last evaluated 2025-02-03.

Conditions:
Hereditary cancer-predisposing syndrome. Also called: Hereditary neoplastic syndrome; Hereditary Cancer Syndrome; Neoplastic Syndromes, Hereditary; Tumor predisposition. Identifiers: Orphanet 140162, MedGen C0027672, MeSH D009386, MONDO:0015356.
Hereditary pheochromocytoma and paraganglioma. Also called: Hereditary Paraganglioma-Pheochromocytoma Syndromes; Hereditary paragangliomas and pheochromocytomas; Hereditary pheochromocytoma-paraganglioma. Identifiers: Orphanet 29072, MedGen C4274332, MONDO:0017366.

Submissions (3):

Labcorp Genetics (formerly Invitae), Labcorp
Classification: Pathogenic for Hereditary pheochromocytoma and paraganglioma. Last evaluated: 2025-02-03. Review status: criteria provided, single submitter. Criteria: Invitae Variant Classification Sherloc (09022015). Collection method: clinical testing. Allele origin: germline.
Comment: This sequence change creates a premature translational stop signal (p.Asn78Lysfs*9) in the MAX gene. While this is not anticipated to result in nonsense mediated decay, it is expected to disrupt the last 83 amino acid(s) of the MAX protein. This variant is not present in population databases (gnomAD no frequency). This variant has not been reported in the literature in individuals affected with MAX-related conditions. ClinVar contains an entry for this variant (Variation ID: 141678). Experimental studies and prediction algorithms are not available or were not evaluated, and the functional significance of this variant is currently unknown. This variant disrupts a region of the MAX protein in which other variant(s) (p.Gln97*) have been determined to be pathogenic (PMID: 29909963). This suggests that this is a clinically significant region of the protein, and that variants that disrupt it are likely to be disease-causing. For these reasons, this variant has been classified as Pathogenic.

GeneDx
Classification: Likely pathogenic. Last evaluated: 2017-12-14. Review status: criteria provided, single submitter. Criteria: GeneDx Variant Classification (06012015). Collection method: clinical testing. Allele origin: germline. Affected: yes.
Comment: This duplication of one nucleotide in MAX is denoted c.233dupA at the cDNA level and p.Asn78LysfsX9 (N78KfsX9) at the protein level. The normal sequence, with the base that is duplicated in brackets, is GAAAA[dupA]CCAC. The duplication causes a frameshift which changes an Asparagine to a Lysine at codon 78, and creates a premature stop codon at position 9 of the new reading frame. This variant is predicted to cause loss of normal protein function through either protein truncation or nonsense-mediated mRNA decay. MAX c.233dupA has been observed in at least one individual undergoing multi-gene panel testing at a clinical laboratory (LaDuca 2017). Based on the currently available information, we consider this duplication to be a likely pathogenic variant.

Ambry Genetics
Classification: Pathogenic for Hereditary cancer-predisposing syndrome. Last evaluated: 2016-10-04. Review status: criteria provided, single submitter. Criteria: Ambry Variant Classification Scheme 2023. Collection method: clinical testing. Allele origin: germline.
Comment: The c.233dupA pathogenic mutation, located in coding exon 4 of the MAX gene, results from a duplication of A at nucleotide position 233, causing a translational frameshift with a predicted alternate stop codon. This alteration is expected to result in loss of function by premature protein truncation. As such, this alteration is interpreted as a disease-causing mutation.

Literature cited by the submitters: PubMed 29909963 (cited by Labcorp Genetics (formerly Invitae), Labcorp).